The following is an entry in ClinVar:

NM_001354604.2(MITF):c.1565C>G (p.Thr522Arg)

Gene: MITF (melanocyte inducing transcription factor; plus strand). Cytogenetic location: 3p13.
Variant type: single nucleotide variant.
Coding change: c.1565C>G on transcript NM_001354604.2 (MANE Select); coding-DNA position 1565, C replaced by G.
Protein change: p.Thr522Arg; replaces threonine 522 with arginine.
Molecular consequence: missense variant.
Genome position (GRCh38, 1-based): chr3:69,965,232, C>G. VCF-style: chr3-69965232-C-G. GRCh37 (hg19) VCF-style: chr3-70014383-C-G.
Other names: c.1499C>G, p.Thr500Arg (NM_198177.3); c.1058C>G, p.Thr353Arg (NM_198178.3); c.1244C>G, p.Thr415Arg (NM_000248.4); c.1391C>G, p.Thr464Arg (NM_001184967.2, NM_001354608.2); c.1562C>G, p.Thr521Arg (NM_001354605.2); c.1544C>G, p.Thr515Arg (NM_001354606.2, NM_006722.3); c.1496C>G, p.Thr499Arg (NM_001354607.2); c.1226C>G, p.Thr409Arg (NM_198158.3); and 1 more; short protein forms T500R, T515R, T521R, T409R, T415R, T516R, T353R, T464R.
Identifiers: ClinVar variation 4055226 (VCV004055226.1).

ClinVar aggregate classification (germline): Uncertain significance (1 of 4 stars; one submission).

Conditions:
Hereditary cancer-predisposing syndrome. Also called: Neoplastic Syndromes, Hereditary; Tumor predisposition; Hereditary neoplastic syndrome; Hereditary Cancer Syndrome. Identifiers: Orphanet 140162, MedGen C0027672, MeSH D009386, MONDO:0015356.

Submission:

Ambry Genetics
Classification: Uncertain significance for Hereditary cancer-predisposing syndrome. Last evaluated: 2025-06-07. Review status: criteria provided, single submitter. Criteria: Ambry Variant Classification Scheme 2023. Collection method: clinical testing. Allele origin: germline.
Comment: The p.T415R variant (also known as c.1244C>G), located in coding exon 9 of the MITF gene, results from a C to G substitution at nucleotide position 1244. The threonine at codon 415 is replaced by arginine, an amino acid with similar properties. This amino acid position is conserved. In addition, this alteration is predicted to be tolerated by in silico analysis. Based on the available evidence, the clinical significance of this variant remains unclear.